The following is an entry in ClinVar:

NM_000444.6(PHEX):c.1769-10C>T

Genes: PHEX (phosphate regulating endopeptidase X-linked; plus strand), PTCHD1-AS (PTCHD1 and PHEX antisense RNA; minus strand). Cytogenetic location: Xp22.11.
Variant type: single nucleotide variant.
Coding change: c.1769-10C>T on transcript NM_000444.6 (MANE Select); 10 bases into the intron before coding-DNA position 1769, C replaced by T.
Molecular consequence: intron variant.
Genome position (GRCh38, 1-based): chrX:22,221,603, C>T. VCF-style: chrX-22221603-C-T. GRCh37 (hg19) VCF-style: chrX-22239720-C-T.
Other names: p.?; c.1769-10C>T (NM_001282754.2).
Identifiers: ClinVar variation 256167 (VCV000256167.24), dbSNP rs3752433, ClinGen allele CA10368350.
Genomic context (GRCh38, chrX:22,221,603, plus strand): 5'-TGAGGGAAAGGAAAGATGAATTTAGTTTCCATAAATAACACAAATGTCTTCGAACTTTTC[C>T]TTTTGCTAGGTAGAAAATATGATAAAAATGGAAACCTGGATCCTTGGTGGTCTACTGAAT-3'

ClinVar aggregate classification (germline): Benign. Review status: criteria provided, multiple submitters, no conflicts (2 of 4 stars). 9 submissions from 9 submitters: Benign (9). Last evaluated 2026-02-04.

Conditions:
Familial X-linked hypophosphatemic vitamin D refractory rickets (XLHRD). Also called: X-Linked Hypophosphatemia; HYPOPHOSPHATEMIC VITAMIN D-RESISTANT RICKETS; Hypophosphatemia, vitamin D-resistant rickets; Vitamin D-resistant rickets, X-linked; Hypophosphatemic Rickets, X-Linked Dominant. Identifiers: Orphanet 89936, MedGen C0733682, MONDO:0010619, OMIM 307800.

Allele frequency attached by ClinVar (database versions not stated): gnomAD exomes 0.26355 and 0.29452; 1000 Genomes Project 0.27285; ExAC 0.27366; 1000 Genomes Project 30x 0.27700; TOPMed 0.32957; gnomAD 0.33021 and 0.33899; ESP Exome Variant Server 0.36313.
gnomAD v4.1: 354,509 of 1,189,912 alleles (30%); highest among the groups gnomAD compares: African/African-American, 46%; 39,137 homozygotes.

Submissions (9):

Labcorp Genetics (formerly Invitae), Labcorp
Classification: Benign. Last evaluated: 2026-02-04. Review status: criteria provided, single submitter. Criteria: Invitae Variant Classification Sherloc (09022015). Collection method: clinical testing. Allele origin: germline.

Blueprint Genetics
Classification: Benign. Last evaluated: 2024-11-28. Review status: criteria provided, single submitter. Criteria: ACMG Guidelines, 2015. Collection method: clinical testing. Allele origin: germline.

Mayo Clinic Laboratories, Mayo Clinic
Classification: Benign. Last evaluated: 2022-11-14. Review status: criteria provided, single submitter. Criteria: ACMG Guidelines, 2015. Collection method: clinical testing. Allele origin: germline. Observed: 60 variant alleles.
Comment: BA1, BP4, BP7

Illumina Laboratory Services, Illumina
Classification: Benign for Familial X-linked hypophosphatemic vitamin D refractory rickets. Last evaluated: 2018-01-13. Review status: criteria provided, single submitter. Criteria: ICSL Variant Classification Criteria 13 December 2019. Collection method: clinical testing. Allele origin: germline.
Comment: This variant was observed in the ICSL laboratory as part of a predisposition screen in an ostensibly healthy population. It had not been previously curated by ICSL or reported in the Human Gene Mutation Database (HGMD: prior to June 1st, 2018), and was therefore a candidate for classification through an automated scoring system. Utilizing variant allele frequency, disease prevalence and penetrance estimates, and inheritance mode, an automated score was calculated to assess if this variant is too frequent to cause the disease. Based on the score and internal cut-off values, a variant classified as benign is not then subjected to further curation. The score for this variant resulted in a classification of benign for this disease.

Athena Diagnostics
Classification: Benign. Last evaluated: 2017-08-02. Review status: criteria provided, single submitter. Criteria: Athena Diagnostics Criteria. Collection method: clinical testing. Allele origin: germline.

Laboratory for Molecular Medicine, Mass General Brigham Personalized Medicine
Classification: Benign. Last evaluated: 2016-03-21. Review status: criteria provided, single submitter. Criteria: LMM Criteria. Collection method: clinical testing. Allele origin: germline. Observed: 1 variant allele.
Comment: c.1769-10C>T in intron 17 of PHEX: This variant is not expected to have clinical significance because a C>T change at this position does not diverge from the sp lice consensus sequence and is therefore unlikely to impact splicing. It has bee n identified in 44.62% (3722/8342) of African chromosomes by the Exome Aggregati on Consortium (ExAC; dbSNP rs3752433).

GeneDx
Classification: Benign. Last evaluated: 2015-03-03. Review status: criteria provided, single submitter. Criteria: GeneDx Variant Classification Process June 2021. Collection method: clinical testing. Allele origin: germline. Affected: yes.

Breakthrough Genomics
Classification: Benign. Review status: criteria provided, single submitter. Criteria: ACMG Guidelines, 2015. Collection method: not provided. Allele origin: germline. Inheritance: X-linked inheritance. Affected: yes.

PreventionGenetics, part of Exact Sciences
Classification: Benign. Review status: criteria provided, single submitter. Criteria: ACMG Guidelines, 2015. Collection method: clinical testing. Allele origin: germline.